The following is an entry in ClinVar:

NM_012464.5(TLL1):c.2783G>A (p.Arg928Gln)

Gene: TLL1 (tolloid like 1; plus strand). Cytogenetic location: 4q32.3.
Variant type: single nucleotide variant.
Coding change: c.2783G>A on transcript NM_012464.5 (MANE Select); coding-DNA position 2783, G replaced by A.
Protein change: p.Arg928Gln; replaces arginine 928 with glutamine.
Molecular consequence: missense variant.
Genome position (GRCh38, 1-based): chr4:166,099,403, G>A. VCF-style: chr4-166099403-G-A. GRCh37 (hg19) VCF-style: chr4-167020555-G-A.
Other names: c.2783G>A (NM_012464.4); short protein forms R928Q.
Identifiers: ClinVar variation 2437104 (VCV002437104.28), dbSNP rs116616112, ClinGen allele CA3131313.

ClinVar aggregate classification (germline): Conflicting classifications of pathogenicity. Review status: criteria provided, conflicting classifications (1 of 4 stars). 3 submissions from 3 submitters: Uncertain significance (1); Likely benign (1). 1 of the submissions does not count toward it. Last evaluated 2022-08-01.

Conditions:
TLL1-related disorder. Also called: TLL1-related condition.
Atrial septal defect 6 (ASD6). Identifiers: Orphanet 1478, MedGen C2751315, MONDO:0013123, OMIM 613087.

Allele frequency attached by ClinVar (database versions not stated): ExAC 0.00056; gnomAD 0.00058; TOPMed 0.00059; 1000 Genomes Project 30x 0.00078; 1000 Genomes Project 0.00100; ESP Exome Variant Server 0.00100.
gnomAD v4.1: 961 of 1,613,518 alleles (0.06%); highest among the groups gnomAD compares: Middle Eastern, 0.12%; no homozygotes.

Submissions (3):

CeGaT Center for Human Genetics Tuebingen
Classification: Likely benign. Last evaluated: 2022-08-01. Review status: criteria provided, single submitter. Criteria: CeGaT Center For Human Genetics Tuebingen Variant Classification Criteria Version 2. Collection method: clinical testing. Allele origin: germline. Affected: yes. Observed: 1 variant allele.
Comment: TLL1: BP4, BS1

Revvity Omics, Revvity
Classification: Uncertain significance for Atrial septal defect 6. Last evaluated: 2021-12-02. Review status: criteria provided, single submitter. Criteria: ACMG Guidelines, 2015. Collection method: clinical testing. Allele origin: germline.

PreventionGenetics, part of Exact Sciences
Classification: Likely benign for TLL1-related condition. Last evaluated: 2023-09-12. Review status: no assertion criteria provided. Collection method: clinical testing. Allele origin: germline. Not counted in ClinVar's aggregate classification.
Comment: This variant is classified as likely benign based on ACMG/AMP sequence variant interpretation guidelines (Richards et al. 2015 PMID: 25741868, with internal and published modifications).